The following is an entry in ClinVar:

NM_004006.3(DMD):c.10223+3G>A

Gene: DMD (dystrophin; minus strand). Cytogenetic location: Xp21.2.
Variant type: single nucleotide variant.
Coding change: c.10223+3G>A on transcript NM_004006.3 (MANE Select); 3 bases into the intron after coding-DNA position 10223, G replaced by A.
Molecular consequence: intron variant. On other transcripts: synonymous variant (1).
Genome position (GRCh38, 1-based): chrX:31,178,666, C>T on the plus strand (G>A on the coding strand, the complement: DMD is on the minus strand). VCF-style: chrX-31178666-C-T. GRCh37 (hg19) VCF-style: chrX-31196783-C-T.
Other names: c.1022G>A, p.Ter341= (NM_004019.3); c.10199+3G>A (NM_000109.4); c.6200+3G>A (NM_004011.4); c.6191+3G>A (NM_004012.4); c.2843+3G>A (NM_004023.3, NM_004020.4, NM_004022.3 and 2 more transcripts); c.2036+3G>A (NM_004014.3); c.1019+3G>A (NM_004018.3, NM_004017.3, NM_004016.3 and 1 more transcripts); c.10211+3G>A (NM_004009.3); and 1 more.
Identifiers: ClinVar variation 4710666 (VCV004710666.1).

ClinVar aggregate classification (germline): Uncertain significance (1 of 4 stars; one submission).

Conditions:
Duchenne muscular dystrophy (DMD). Also called: MUSCULAR DYSTROPHY, PSEUDOHYPERTROPHIC PROGRESSIVE, DUCHENNE TYPE; Duchenne Muscular Dystrophy (DMD). Identifiers: Orphanet 98896, MedGen C0013264, MONDO:0010679, OMIM 310200.

Submission:

Labcorp Genetics (formerly Invitae), Labcorp
Classification: Uncertain significance for Duchenne muscular dystrophy. Last evaluated: 2025-12-15. Review status: criteria provided, single submitter. Criteria: Invitae Variant Classification Sherloc (09022015). Collection method: clinical testing. Allele origin: germline.
Comment: This sequence change falls in intron 70 of the DMD gene. It does not directly change the encoded amino acid sequence of the DMD protein. It affects a nucleotide within the consensus splice site. This variant is not present in population databases (gnomAD no frequency). This variant has been observed in individual(s) with Duchenne muscular dystrophy (PMID: 19937601). Variants that disrupt the consensus splice site are a relatively common cause of aberrant splicing (PMID: 17576681, 9536098). Algorithms developed to predict the effect of sequence changes on RNA splicing suggest that this variant is not likely to affect RNA splicing. This variant disrupts the c.10223+3G nucleotide in the DMD gene. Other variant(s) that disrupt this nucleotide have been determined to be pathogenic (PMID: 17041906, 28859693). This suggests that this nucleotide is clinically significant, and that variants that disrupt this position are likely to be disease-causing. In summary, the available evidence is currently insufficient to determine the role of this variant in disease. Therefore, it has been classified as a Variant of Uncertain Significance.

Literature cited by the submitters: PubMed 19937601; PubMed 17576681; PubMed 9536098; PubMed 17041906; PubMed 28859693.